The following is an entry in ClinVar:

ClinVar aggregate classification (germline): Uncertain significance. Review status: criteria provided, multiple submitters, no conflicts (2 of 4 stars). 4 submissions from 4 submitters: Uncertain significance (4). Last evaluated 2026-04-16.

Conditions:
NR2E3-related disorder. Also called: NR2E3-related disorders; NR2E3-related condition. Identifiers: MedGen CN239387.
Inborn genetic diseases. Identifiers: MedGen C0950123, MeSH D030342.

Allele frequency attached by ClinVar (database versions not stated): gnomAD 0.00007 and 0.00009; ExAC 0.00008; ESP Exome Variant Server 0.00008; gnomAD exomes 0.00009 and 0.00014; TOPMed 0.00009.
gnomAD v4.1: 219 of 1,613,804 alleles (0.014%); highest among the groups gnomAD compares: Middle Eastern, 0.033%; 1 homozygote.

Submissions (4):

PreventionGenetics, part of Exact Sciences
Classification: Uncertain significance for NR2E3-related condition. Last evaluated: 2026-04-16. Review status: criteria provided, single submitter. Criteria: ACMG Guidelines, 2015. Collection method: clinical testing. Allele origin: germline.
Comment: The NR2E3 c.902G>A variant is predicted to result in the amino acid substitution p.Arg301His. To our knowledge, this variant has not been reported in the literature. This variant is reported in 0.018% of alleles in individuals of European (Non-Finnish) descent in gnomAD. At this time, the clinical significance of this variant is uncertain due to the absence of conclusive functional and genetic evidence.

Ambry Genetics
Classification: Uncertain significance for Inborn genetic diseases. Last evaluated: 2025-06-25. Review status: criteria provided, single submitter. Criteria: Ambry Variant Classification Scheme 2023. Collection method: clinical testing. Allele origin: germline.

Labcorp Genetics (formerly Invitae), Labcorp
Classification: Uncertain significance. Last evaluated: 2025-02-23. Review status: criteria provided, single submitter. Criteria: Invitae Variant Classification Sherloc (09022015). Collection method: clinical testing. Allele origin: germline.
Comment: This sequence change replaces arginine, which is basic and polar, with histidine, which is basic and polar, at codon 301 of the NR2E3 protein (p.Arg301His). This variant is present in population databases (rs375364175, gnomAD 0.02%). This variant has not been reported in the literature in individuals affected with NR2E3-related conditions. ClinVar contains an entry for this variant (Variation ID: 1444773). Invitae Evidence Modeling of protein sequence and biophysical properties (such as structural, functional, and spatial information, amino acid conservation, physicochemical variation, residue mobility, and thermodynamic stability) indicates that this missense variant is not expected to disrupt NR2E3 protein function with a negative predictive value of 80%. In summary, the available evidence is currently insufficient to determine the role of this variant in disease. Therefore, it has been classified as a Variant of Uncertain Significance.

Blueprint Genetics
Classification: Uncertain significance. Last evaluated: 2024-09-05. Review status: criteria provided, single submitter. Criteria: ACMG Guidelines, 2015. Collection method: clinical testing. Allele origin: germline.

NM_014249.4(NR2E3):c.902G>A (p.Arg301His)

Gene: NR2E3 (nuclear receptor subfamily 2 group E member 3; plus strand). Cytogenetic location: 15q23.
Variant type: single nucleotide variant.
Coding change: c.902G>A on transcript NM_014249.4 (MANE Select); coding-DNA position 902, G replaced by A.
Protein change: p.Arg301His; replaces arginine 301 with histidine.
Molecular consequence: missense variant.
Genome position (GRCh38, 1-based): chr15:71,813,543, G>A. VCF-style: chr15-71813543-G-A. GRCh37 (hg19) VCF-style: chr15-72105883-G-A.
Other names: c.902G>A (NM_014249.2, NM_014249.3); c.902G>A, p.Arg301His (NM_016346.4); short protein forms R301H.
Identifiers: ClinVar variation 1444773 (VCV001444773.11), dbSNP rs375364175, ClinGen allele CA7640427.